The following is an entry in ClinVar:

ClinVar aggregate classification (germline): Uncertain significance (1 of 4 stars; one submission).

gnomAD v4.1: 25 of 1,614,028 alleles (0.0015%); highest among the groups gnomAD compares: South Asian, 0.0022%; no homozygotes.

Submission:

Labcorp Genetics (formerly Invitae), Labcorp
Classification: Uncertain significance. Last evaluated: 2025-04-15. Review status: criteria provided, single submitter. Criteria: Invitae Variant Classification Sherloc (09022015). Collection method: clinical testing. Allele origin: germline.
Comment: This sequence change replaces valine, which is neutral and non-polar, with isoleucine, which is neutral and non-polar, at codon 607 of the LIFR protein (p.Val607Ile). This variant is present in population databases (rs773256377, gnomAD 0.01%). This variant has not been reported in the literature in individuals affected with LIFR-related conditions. An algorithm developed to predict the effect of missense changes on protein structure and function (PolyPhen-2) suggests that this variant is likely to be disruptive. In summary, the available evidence is currently insufficient to determine the role of this variant in disease. Therefore, it has been classified as a Variant of Uncertain Significance.

NM_001127671.2(LIFR):c.1819G>A (p.Val607Ile)

Gene: LIFR (LIF receptor subunit alpha; minus strand). Cytogenetic location: 5p13.1.
Variant type: single nucleotide variant.
Coding change: c.1819G>A on transcript NM_001127671.2 (MANE Select); coding-DNA position 1819, G replaced by A.
Protein change: p.Val607Ile; replaces valine 607 with isoleucine.
Molecular consequence: missense variant.
Genome position (GRCh38, 1-based): chr5:38,496,448, C>T on the plus strand (G>A on the coding strand, the complement: LIFR is on the minus strand). VCF-style: chr5-38496448-C-T. GRCh37 (hg19) VCF-style: chr5-38496550-C-T.
Other names: c.1819G>A, p.Val607Ile (NM_001364297.2, NM_001364298.2, NM_002310.6); short protein forms V607I.
Identifiers: ClinVar variation 4706010 (VCV004706010.1).